The following is an entry in ClinVar:

ClinVar aggregate classification (germline): Uncertain significance (1 of 4 stars; one submission).

Conditions:
ALG9 congenital disorder of glycosylation (CDG1L). Also called: CONGENITAL DISORDER OF GLYCOSYLATION, TYPE Il; ALG9-CDG; CDG Il. Identifiers: Orphanet 79328, MedGen C2931006, MONDO:0012117, OMIM 608776.

Submission:

Labcorp Genetics (formerly Invitae), Labcorp
Classification: Uncertain significance for ALG9 congenital disorder of glycosylation. Last evaluated: 2024-04-29. Review status: criteria provided, single submitter. Criteria: Invitae Variant Classification Sherloc (09022015). Collection method: clinical testing. Allele origin: germline.
Comment: This sequence change replaces serine, which is neutral and polar, with asparagine, which is neutral and polar, at codon 686 of the ATP6V0A2 protein (p.Ser686Asn). This variant is not present in population databases (gnomAD no frequency). This variant has not been reported in the literature in individuals affected with ATP6V0A2-related conditions. ClinVar contains an entry for this variant (Variation ID: 2008452). Algorithms developed to predict the effect of missense changes on protein structure and function output the following: SIFT: "Not Available"; PolyPhen-2: "Benign"; Align-GVGD: "Not Available". The asparagine amino acid residue is found in multiple mammalian species, which suggests that this missense change does not adversely affect protein function. In summary, the available evidence is currently insufficient to determine the role of this variant in disease. Therefore, it has been classified as a Variant of Uncertain Significance.

NM_012463.4(ATP6V0A2):c.2057G>A (p.Ser686Asn)

Gene: ATP6V0A2 (ATPase H+ transporting V0 subunit a2; plus strand). Cytogenetic location: 12q24.31.
Variant type: single nucleotide variant.
Coding change: c.2057G>A on transcript NM_012463.4 (MANE Select); coding-DNA position 2057, G replaced by A.
Protein change: p.Ser686Asn; replaces serine 686 with asparagine.
Molecular consequence: missense variant.
Genome position (GRCh38, 1-based): chr12:123,752,284, G>A. VCF-style: chr12-123752284-G-A. GRCh37 (hg19) VCF-style: chr12-124236831-G-A.
Other names: short protein forms S686N.
Identifiers: ClinVar variation 2008452 (VCV002008452.4), dbSNP rs2541872725, ClinGen allele CA387163316.
Genomic context (GRCh38, chr12:123,752,284, plus strand): 5'-GGTTTTGTCACAACCTTGTGGTTTTACAGGCACTGACTCTGTGCTCTTTTGGTTGTTAGA[G>A]TGGCTACACACTTATAAGGAAAGATAGTGAGGAAGAAGTTTCATTGCTGGGAAGCCAAGA-3'
Protein context (NP_036595.2, residues 676-696): NGRSCFGVNR[Ser686Asn]GYTLIRKDSE